The following is an entry in ClinVar:

ClinVar aggregate classification (germline): Conflicting classifications of pathogenicity. Review status: criteria provided, conflicting classifications (1 of 4 stars). 4 submissions from 4 submitters: Uncertain significance (3); Likely benign (1). Last evaluated 2025-07-29.

Conditions:
Familial amyloid nephropathy with urticaria AND deafness (MWS). Also called: Urticaria, deafness and amyloidosis; MUCKLE-WELLS SYNDROME; UDA SYNDROME; URTICARIA-DEAFNESS-AMYLOIDOSIS SYNDROME; CRYOPYRIN-ASSOCIATED PERIODIC SYNDROME 2. Identifiers: Orphanet 575, MedGen C0268390, MONDO:0008633, OMIM 191900.
Keratitis fugax hereditaria. Also called: KERATOENDOTHELIITIS FUGAX HEREDITARIA. Identifiers: Orphanet 647815, MedGen C1835697, MONDO:0007849, OMIM 148200.
Hearing loss, autosomal dominant 34, with or without inflammation. Also called: DEAFNESS, AUTOSOMAL DOMINANT 34, WITH OR WITHOUT INFLAMMATION. Identifiers: MedGen C4521680, MONDO:0033261, OMIM 617772.
Familial cold autoinflammatory syndrome 1 (FCAS1). Also called: Familial cold inflammatory syndrome 1; CRYOPYRIN-ASSOCIATED PERIODIC SYNDROME 1. Identifiers: Orphanet 47045, MedGen C4551895, MONDO:0007349, OMIM 120100.
Chronic infantile neurological, cutaneous and articular syndrome (CINCA). Also called: Prieur Griscelli syndrome; CINCA syndrome; CHRONIC NEUROLOGIC CUTANEOUS AND ARTICULAR SYNDROME; CRYOPYRIN-ASSOCIATED PERIODIC SYNDROME 3. Identifiers: Orphanet 1451, MedGen C0409818, MONDO:0011776, OMIM 607115.
Cryopyrin associated periodic syndrome (CAPS). Identifiers: Orphanet 208650, MedGen C2316212, MONDO:0016168.

Allele frequency attached by ClinVar (database versions not stated): ExAC 0.00003; gnomAD exomes 0.00003; gnomAD 0.00008 and 0.00010; TOPMed 0.00011; ESP Exome Variant Server 0.00015; 1000 Genomes Project 30x 0.00016; 1000 Genomes Project 0.00020.
gnomAD v4.1: 63 of 1,614,146 alleles (0.0039%); highest among the groups gnomAD compares: African/African-American, 0.052%; no homozygotes.

Submissions (4):

GeneDx
Classification: Uncertain significance. Last evaluated: 2025-07-29. Review status: criteria provided, single submitter. Criteria: GeneDx Variant Classification Process June 2021. Collection method: clinical testing. Allele origin: germline. Affected: yes.
Comment: In silico analysis supports that this missense variant has a deleterious effect on protein structure/function; Published functional studies demonstrate no significant effect on protein function, however, the biological significance of these assays is unclear (PMID: 39930093, 38530241); Also known as S896P; This variant is associated with the following publications: (PMID: 33329557, 39930093, 38530241)

Labcorp Genetics (formerly Invitae), Labcorp
Classification: Likely benign for Cryopyrin associated periodic syndrome. Last evaluated: 2025-06-09. Review status: criteria provided, single submitter. Criteria: Invitae Variant Classification Sherloc (09022015). Collection method: clinical testing. Allele origin: germline.

Fulgent Genetics
Classification: Uncertain significance for Familial cold autoinflammatory syndrome 1; Keratitis fugax hereditaria; Familial amyloid nephropathy with urticaria AND deafness; Chronic infantile neurological, cutaneous and articular syndrome; Hearing loss, autosomal dominant 34, with or without inflammation. Last evaluated: 2022-03-25. Review status: criteria provided, single submitter. Criteria: ACMG Guidelines, 2015. Collection method: clinical testing. Allele origin: unknown.

CeGaT Center for Human Genetics Tuebingen
Classification: Uncertain significance. Last evaluated: 2021-07-01. Review status: criteria provided, single submitter. Criteria: CeGaT Center For Human Genetics Tuebingen Variant Classification Criteria Version 2. Collection method: clinical testing. Allele origin: germline. Affected: yes. Observed: 1 variant allele.

NM_001243133.2(NLRP3):c.2686T>C (p.Ser896Pro)

Gene: NLRP3 (NLR family pyrin domain containing 3; plus strand). Cytogenetic location: 1q44.
Variant type: single nucleotide variant.
Coding change: c.2686T>C on transcript NM_001243133.2 (MANE Select); coding-DNA position 2686, T replaced by C.
Protein change: p.Ser896Pro; replaces serine 896 with proline.
Molecular consequence: missense variant.
Genome position (GRCh38, 1-based): chr1:247,443,994, T>C. VCF-style: chr1-247443994-T-C. GRCh37 (hg19) VCF-style: chr1-247607296-T-C.
Other names: c.2686T>C, p.Ser896Pro (NM_001079821.3); c.2515T>C, p.Ser839Pro (NM_001127461.3, NM_001127462.3); c.2692T>C, p.Ser898Pro (NM_004895.5); c.2344T>C, p.Ser782Pro (NM_183395.3); short protein forms S782P, S896P, S898P, S839P.
Identifiers: ClinVar variation 946043 (VCV000946043.47), dbSNP rs151205016, ClinGen allele CA1495337.